The following is an entry in ClinVar:

NM_001999.4(FBN2):c.3736T>C (p.Cys1246Arg)

Gene: FBN2 (fibrillin 2; minus strand). Cytogenetic location: 5q23.3.
Variant type: single nucleotide variant.
Coding change: c.3736T>C on transcript NM_001999.4 (MANE Select); coding-DNA position 3736, T replaced by C.
Protein change: p.Cys1246Arg; replaces cysteine 1246 with arginine.
Molecular consequence: missense variant.
Genome position (GRCh38, 1-based): chr5:128,335,566, A>G on the plus strand (T>C on the coding strand, the complement: FBN2 is on the minus strand). VCF-style: chr5-128335566-A-G. GRCh37 (hg19) VCF-style: chr5-127671258-A-G.
Other names: short protein forms C1246R.
Identifiers: ClinVar variation 458763 (VCV000458763.12), dbSNP rs1554122857, ClinGen allele CA360758140.
Genomic context (GRCh38, chr5:128,335,566, plus strand): 5'-ATTCGTAGCTTCCCTCTGAATTTGTGCACTGGGTGTCACAGCCTCCGTTCATTATCATAC[A>G]TTCATCAATATCTGTGAAAACAGCATTGCAACCACATTGTCAGGTCTGCTTCCTTAAAAG-3'
Protein context (NP_001990.2, residues 1236-1256): DRQGCTDIDE[Cys1246Arg]MIMNGGCDTQ

ClinVar aggregate classification (germline): Pathogenic. Review status: criteria provided, multiple submitters, no conflicts (2 of 4 stars). 3 submissions from 3 submitters: Pathogenic (3). Last evaluated 2025-11-17.

Conditions:
Familial thoracic aortic aneurysm and aortic dissection (TAAD). Also called: Thoracic aortic aneurysms and dissections. Identifiers: Orphanet 91387, MedGen C4707243, MONDO:0019625.
Congenital contractural arachnodactyly (CCA). Also called: Beals-Hecht syndrome; BEALS SYNDROME; Arthrogryposis, distal, type 9. Identifiers: Orphanet 115, MedGen C0220668, MONDO:0007363, OMIM 121050.

Submissions (3):

Labcorp Genetics (formerly Invitae), Labcorp
Classification: Pathogenic for Congenital contractural arachnodactyly. Last evaluated: 2025-11-17. Review status: criteria provided, single submitter. Criteria: Invitae Variant Classification Sherloc (09022015). Collection method: clinical testing. Allele origin: germline.
Comment: This sequence change replaces cysteine, which is neutral and slightly polar, with arginine, which is basic and polar, at codon 1246 of the FBN2 protein (p.Cys1246Arg). This variant is not present in population databases (gnomAD no frequency). This missense change has been observed in individual(s) with congenital contractural arachnodactyly (PMID: 35360850). ClinVar contains an entry for this variant (Variation ID: 458763). Invitae Evidence Modeling of protein sequence and biophysical properties (such as structural, functional, and spatial information, amino acid conservation, physicochemical variation, residue mobility, and thermodynamic stability) has been performed for this missense variant. However, the output from this modeling did not meet the statistical confidence thresholds required to predict the impact of this variant on FBN2 protein function. This variant affects a cysteine residue located within an epidermal growth factor (EGF)–like domain of the FBN2 protein. Cysteine residues in these domains are involved in the formation of disulfide bridges critical for protein structure and stability (PMID: 3495735, 4750422, 16677079). In addition, missense substitutions within the FBN2 EGF-like domains affecting cysteine residues are overrepresented in patients with congenital contractural arachnodactyly (PMID: 18767143). For these reasons, this variant has been classified as Pathogenic.

Ambry Genetics
Classification: Pathogenic for Familial thoracic aortic aneurysm and aortic dissection. Last evaluated: 2016-04-13. Review status: criteria provided, single submitter. Criteria: Ambry Variant Classification Scheme 2023. Collection method: clinical testing. Allele origin: germline.
Comment: The p.C1246R pathogenic mutation (also known as c.3736T>C), located in coding exon 29 of the FBN2 gene, results from a T to C substitution at nucleotide position 3736. The cysteine at codon 1246 is replaced by arginine, an amino acid with highly dissimilar properties, and is located in the cb EGF-like #16 domain. In one study, 13 of 14 reported FBN2 mutations were found in the middle region of the gene (exons 24-36), and 7 of these mutations were noted to alter or produce a cysteine residue (Callewaert BL et al. Hum Mutat. 2009;30(3):334-341). Alterations involving the same amino acid position, p.C1246F (c.3737G>T) and p.C1246G (c.3736T>G), have been described in patients with congenital contractural arachnodactyly (CCA) (Callewaert BL et al. Hum Mutat. 2009;30(3):334-341; Paulson ML et al. Int J Tuberc Lung Dis. 2012;16(4):561-3). Based on the supporting evidence, p.C1246R is interpreted as a disease-causing mutation.

Clinical Genetics Service, Universitary Hospital 12 de Octubre
Classification: Pathogenic for Congenital contractural arachnodactyly. Review status: criteria provided, single submitter. Criteria: ACMG Guidelines, 2015. Collection method: clinical testing. Allele origin: germline. Affected: yes.

Literature cited by the submitters: PubMed 35360850 (cited by Labcorp Genetics (formerly Invitae), Labcorp); PubMed 3495735 (cited by Labcorp Genetics (formerly Invitae), Labcorp); PubMed 4750422 (cited by Labcorp Genetics (formerly Invitae), Labcorp); PubMed 16677079 (cited by Labcorp Genetics (formerly Invitae), Labcorp); PubMed 18767143 (cited by Labcorp Genetics (formerly Invitae), Labcorp); PubMed 19006240 (cited by Ambry Genetics); PubMed 22325249 (cited by Ambry Genetics).